The following is an entry in ClinVar:

NM_000256.3(MYBPC3):c.1246G>A (p.Gly416Ser)

Gene: MYBPC3 (myosin binding protein C3; minus strand). Cytogenetic location: 11p11.2.
Variant type: single nucleotide variant.
Coding change: c.1246G>A on transcript NM_000256.3 (MANE Select); coding-DNA position 1246, G replaced by A.
Protein change: p.Gly416Ser; replaces glycine 416 with serine.
Molecular consequence: missense variant.
Genome position (GRCh38, 1-based): chr11:47,343,126, C>T on the plus strand (G>A on the coding strand, the complement: MYBPC3 is on the minus strand). VCF-style: chr11-47343126-C-T. GRCh37 (hg19) VCF-style: chr11-47364677-C-T.
Other names: p.G416S:GGT>AGT; short protein forms G416S.
Identifiers: ClinVar variation 42515 (VCV000042515.37), dbSNP rs371513491, ClinGen allele CA009981.

ClinVar aggregate classification (germline): Conflicting classifications of pathogenicity. Review status: criteria provided, conflicting classifications (1 of 4 stars). 14 submissions from 14 submitters: Uncertain significance (7); Benign (1); Likely benign (4). 2 of the submissions do not count toward it. Last evaluated 2026-05-12.

Conditions:
MYBPC3-related disorder. Also called: MYBPC3-related disorders; MYBPC3-related condition; MYBPC3-related disease.
Cardiovascular phenotype. Identifiers: MedGen CN230736.
Cardiomyopathy (CMYO). Also called: Cardiomyopathies. Identifiers: Orphanet 167848, MedGen C0878544, MONDO:0004994, HP:0001638. Inheritance: Various modes of inheritance.
Primary familial hypertrophic cardiomyopathy (HCM). Identifiers: Orphanet 99739, MedGen C0949658, MeSH D024741, MONDO:0024573. Inheritance: Various modes of inheritance.
Hypertrophic cardiomyopathy 4. Also called: Familial hypertrophic cardiomyopathy 4. Identifiers: MedGen C1861862, MONDO:0007268, OMIM 115197.
Hypertrophic cardiomyopathy. Also called: HYPERTROPHIC MYOCARDIOPATHY. Identifiers: Orphanet 217569, MedGen C0007194, MeSH D002312, MONDO:0005045, HP:0001639.

Allele frequency attached by ClinVar (database versions not stated): ExAC 0.00003; ESP Exome Variant Server 0.00024; gnomAD 0.00040 and 0.00046; TOPMed 0.00046.
gnomAD v4.1: 104 of 1,611,444 alleles (0.0065%); highest among the groups gnomAD compares: African/African-American, 0.099%; no homozygotes.

Submissions (14):

PreventionGenetics, part of Exact Sciences
Classification: Uncertain significance for MYBPC3-related condition. Last evaluated: 2026-05-12. Review status: criteria provided, single submitter. Criteria: ACMG Guidelines, 2015. Collection method: clinical testing. Allele origin: germline.
Comment: The MYBPC3 c.1246G>A variant is predicted to result in the amino acid substitution p.Gly416Ser. This variant was reported in individuals with hypertrophic cardiomyopathy, but was also reported in unaffected controls (see, for examples, Song et al. 2005. PubMed ID: 15563892; Andreasen et al. 2013. PubMed ID: 23299917; supplementary data, Amendola et al. 2015. PubMed ID: 25637381; supplementary data, Walsh et al. 2016. PubMed ID: 27532257). Additionally, this variant is reported in 0.10% of alleles in individuals of African descent in gnomAD, which may be too frequent to be a primary cause of disease. Although we suspect that this variant may be benign, at this time, the clinical significance of this variant is uncertain due to the absence of conclusive functional and genetic evidence.

Labcorp Genetics (formerly Invitae), Labcorp
Classification: Likely benign for Hypertrophic cardiomyopathy. Last evaluated: 2026-01-28. Review status: criteria provided, single submitter. Criteria: Invitae Variant Classification Sherloc (09022015). Collection method: clinical testing. Allele origin: germline.

Molecular Diagnostic Laboratory for Inherited Cardiovascular Disease, Montreal Heart Institute
Classification: Uncertain significance for Cardiovascular phenotype. Last evaluated: 2025-04-09. Review status: criteria provided, single submitter. Criteria: ACMG Guidelines, 2015. Collection method: clinical testing. Allele origin: germline. Affected: yes.
Comment: PP3

Women's Health and Genetics/Laboratory Corporation of America, LabCorp
Classification: Likely benign. Last evaluated: 2025-03-24. Review status: criteria provided, single submitter. Criteria: LabCorp Variant Classification Summary - May 2015. Collection method: clinical testing. Allele origin: germline.
Comment: Variant summary: MYBPC3 c.1246G>A (p.Gly416Ser) results in a non-conservative amino acid change in the encoded protein sequence. Three of four in-silico tools predict a damaging effect of the variant on protein function. The variant allele was found at a frequency of 6.5e-05 in 1611444 control chromosomes, predominantly at a frequency of 0.00099 within the African or African-American subpopulation in the gnomAD database. This frequency is essentially equivalent to the maximum estimated frequency for a pathogenic variant in MYBPC3 causing Hypertrophic Cardiomyopathy (6.5e-05 vs 0.001). c.1246G>A has been reported in the presumed heterozygous state in the literature in at least 2 related individuals segregating with hypertrophic cardiomyopathy (example, Shen_2022), however it has also been reported in several isolated individuals with other MYBPC3-related cardiomyopathies without strong evidence for causality (example, Walsh_2017, Tomar_2022, Trachoo_2022, Pugh_2014, vanWaning_2018, vanLint_2019, Ntusi_2016). These data do not allow any conclusion about variant significance. To our knowledge, no experimental evidence demonstrating an impact on protein function has been reported. The following publications have been ascertained in the context of this evaluation (PMID: 15519027, 16858239, 18273486, 27841901, 24503780, 35284542, 15563892, 35130036, 36166435, 27532257, 30847666, 29447731). ClinVar contains an entry for this variant (Variation ID: 42515). Based on the evidence outlined above, the variant was classified as likely benign.

All of Us Research Program, National Institutes of Health
Classification: Uncertain significance for Hypertrophic cardiomyopathy. Last evaluated: 2024-07-20. Review status: criteria provided, single submitter. Criteria: ACMG Guidelines, 2015. Collection method: clinical testing. Allele origin: germline. Inheritance: Autosomal dominant inheritance. Observed: 38 variant alleles, 38 heterozygotes.
Comment: This missense variant replaces glycine with serine at codon 416 of the MYBPC3 protein. Computational prediction tool suggests that this variant may not impact protein structure and function (internally defined REVEL score threshold <=0.5, PMID: 27666373). To our knowledge, functional assays have not been performed for this variant. This variant has been reported in individuals affected with hypertrophic cardiomyopathy (PMID: 15519027, 15563892, 27841901), in individuals affected with dilated cardiomyopathy (PMID: 24503780, 35284542, 36166435), as well as in two unaffected individuals (PMID: 15519027). This variant has also been identified in 29/274848 chromosomes (24/23472 African chromosomes) in the general population by the Genome Aggregation Database (gnomAD). The relatively high frequency of this variant in the general population suggests that this variant is unlikely to be disease-causing. However, additional studies are necessary to determine the role of this variant in disease conclusively. Therefore, this variant is classified as a Variant of Uncertain Significance.

This study involves interpretation of variants in research participants for the purpose of population health screening. Participant phenotype was not available at the time of variant classification. Additional details can be found in publication PMID: 35346344, PMCID: PMC8962531

GeneDx
Classification: Uncertain significance. Last evaluated: 2024-07-14. Review status: criteria provided, single submitter. Criteria: GeneDx Variant Classification Process June 2021. Collection method: clinical testing. Allele origin: germline. Affected: yes.
Comment: In silico analysis supports that this missense variant has a deleterious effect on protein structure/function; This variant is associated with the following publications: (PMID: 21310275, 24503780, 25637381, 21415409, 16858239, 22958901, 25351510, 15519027, 23299917, 28166811, 27532257, 27841901, 30847666, 35130036, 35284542, 32420109, 36166435, 15563892)

Blueprint Genetics
Classification: Likely benign. Last evaluated: 2024-05-08. Review status: criteria provided, single submitter. Criteria: ACMG Guidelines, 2015. Collection method: clinical testing. Allele origin: germline.

Color Diagnostics, LLC DBA Color Health
Classification: Uncertain significance for Cardiomyopathy. Last evaluated: 2024-03-05. Review status: criteria provided, single submitter. Criteria: ACMG Guidelines, 2015. Collection method: clinical testing. Allele origin: germline.
Comment: This missense variant replaces glycine with serine at codon 416 of the MYBPC3 protein. Computational prediction tools indicate that this variant's impact on protein structure and function is inconclusive. To our knowledge, functional studies have not been performed for this variant. This variant has been reported in individuals affected with hypertrophic cardiomyopathy (PMID: 15519027, 15563892, 27841901), in individuals affected with dilated cardiomyopathy (PMID: 24503780, 35284542, 36166435), as well as in two unaffected individuals (PMID: 15519027). This variant has also been identified in 29/274848 chromosomes (24/23472 African chromosomes) in the general population by the Genome Aggregation Database (gnomAD). The elevated variant allele frequency in the general population indicates that this variant may not be disease-causing. However, additional studies are necessary to determine the role of this variant in disease conclusively. Therefore, this variant is classified as a Variant of Uncertain Significance.

Ambry Genetics
Classification: Likely benign for Cardiovascular phenotype. Last evaluated: 2023-03-17. Review status: criteria provided, single submitter. Criteria: Ambry Variant Classification Scheme 2023. Collection method: clinical testing. Allele origin: germline.

Mendelics
Classification: Benign for Hypertrophic cardiomyopathy 4. Last evaluated: 2019-05-28. Review status: criteria provided, single submitter. Criteria: Mendelics Assertion Criteria 2017. Collection method: clinical testing. Allele origin: unknown.

Clinical Genetics DNA and cytogenetics Diagnostics Lab, Erasmus MC, Erasmus Medical Center
Classification: Uncertain significance for Hypertrophic cardiomyopathy 4. Last evaluated: 2017-05-31. Review status: criteria provided, single submitter. Criteria: ACGS Guidelines, 2013. Collection method: clinical testing. Allele origin: germline. Affected: yes. Study: VKGL Data-share Consensus.

Laboratory for Molecular Medicine, Mass General Brigham Personalized Medicine
Classification: Uncertain significance. Last evaluated: 2016-04-14. Review status: criteria provided, single submitter. Criteria: LMM Criteria. Collection method: clinical testing. Allele origin: germline. Observed: 1 variant allele.
Comment: proposed classification - variant undergoing re-assessment, contact laboratory

CSER _CC_NCGL, University of Washington
Classification: Uncertain significance for Cardiomyopathy, hypertrophic. Last evaluated: 2014-06-01. Review status: no assertion criteria provided. Collection method: research. Allele origin: germline. Inheritance: Autosomal dominant inheritance. Study: ESP 6500 variant annotation. Not counted in ClinVar's aggregate classification.
Comment: Variants classified for the Actionable exomic incidental findings in 6503 participants: challenges of variant classification manuscript

Clinical Genetics, Academic Medical Center
Classification: Uncertain significance. Review status: no assertion criteria provided. Collection method: clinical testing. Allele origin: germline. Affected: yes. Study: VKGL Data-share Consensus. Not counted in ClinVar's aggregate classification.

Literature cited by the submitters: PubMed 15563892 (cited by 5 submitters); PubMed 15519027 (cited by 5 submitters); PubMed 16858239 (cited by Women's Health and Genetics/Laboratory Corporation of America, LabCorp and Laboratory for Molecular Medicine, Mass General Brigham Personalized Medicine); PubMed 18273486 (cited by Women's Health and Genetics/Laboratory Corporation of America, LabCorp); PubMed 24503780 (cited by 4 submitters); PubMed 27532257 (cited by Women's Health and Genetics/Laboratory Corporation of America, LabCorp); PubMed 27841901 (cited by 4 submitters); PubMed 30847666 (cited by Women's Health and Genetics/Laboratory Corporation of America, LabCorp and Ambry Genetics); PubMed 29447731 (cited by Women's Health and Genetics/Laboratory Corporation of America, LabCorp); PubMed 35284542 (cited by 3 submitters); PubMed 35130036 (cited by Women's Health and Genetics/Laboratory Corporation of America, LabCorp); PubMed 36166435 (cited by 3 submitters); PubMed 32420109 (cited by Ambry Genetics).